The following is an entry in ClinVar:

ClinVar aggregate classification (germline): Uncertain significance (1 of 4 stars; one submission).

gnomAD v4.1: 1 of 1,613,914 alleles (0.000062%); highest among the groups gnomAD compares: Non-Finnish European, 0.000085%; no homozygotes.

Submission:

Labcorp Genetics (formerly Invitae), Labcorp
Classification: Uncertain significance. Last evaluated: 2025-10-01. Review status: criteria provided, single submitter. Criteria: Invitae Variant Classification Sherloc (09022015). Collection method: clinical testing. Allele origin: germline.
Comment: This sequence change falls in intron 10 of the SLC4A1 gene. It does not directly change the encoded amino acid sequence of the SLC4A1 protein. It affects a nucleotide within the consensus splice site. This variant is not present in population databases (gnomAD no frequency). This variant has not been reported in the literature in individuals affected with SLC4A1-related conditions. Variants that disrupt the consensus splice site are a relatively common cause of aberrant splicing (PMID: 17576681, 9536098). Algorithms developed to predict the effect of sequence changes on RNA splicing suggest that this variant may disrupt the consensus splice site. In summary, the available evidence is currently insufficient to determine the role of this variant in disease. Therefore, it has been classified as a Variant of Uncertain Significance.

Literature cited by the submitters: PubMed 17576681; PubMed 9536098.

NM_000342.4(SLC4A1):c.1088-3C>G

Gene: SLC4A1 (solute carrier family 4 member 1 (Diego blood group); minus strand). Cytogenetic location: 17q21.31.
Variant type: single nucleotide variant.
Coding change: c.1088-3C>G on transcript NM_000342.4 (MANE Select); 3 bases into the intron before coding-DNA position 1088, C replaced by G.
Molecular consequence: intron variant.
Genome position (GRCh38, 1-based): chr17:44,258,183, G>C on the plus strand (C>G on the coding strand, the complement: SLC4A1 is on the minus strand). VCF-style: chr17-44258183-G-C. GRCh37 (hg19) VCF-style: chr17-42335551-G-C.
Identifiers: ClinVar variation 4728287 (VCV004728287.1).